The following is an entry in ClinVar:

NM_001563.4(IMPG1):c.2135G>A (p.Cys712Tyr)

Gene: IMPG1 (interphotoreceptor matrix proteoglycan 1; minus strand). Cytogenetic location: 6q14.1.
Variant type: single nucleotide variant.
Coding change: c.2135G>A on transcript NM_001563.4 (MANE Select); coding-DNA position 2135, G replaced by A.
Protein change: p.Cys712Tyr; replaces cysteine 712 with tyrosine.
Molecular consequence: missense variant.
Genome position (GRCh38, 1-based): chr6:75,931,061, C>T on the plus strand (G>A on the coding strand, the complement: IMPG1 is on the minus strand). VCF-style: chr6-75931061-C-T. GRCh37 (hg19) VCF-style: chr6-76640778-C-T.
Other names: c.1901G>A, p.Cys634Tyr (NM_001282368.2); short protein forms C634Y, C712Y.
Identifiers: ClinVar variation 1013826 (VCV001013826.8), dbSNP rs1182855266, ClinGen allele CA364769750.
Genomic context (GRCh38, chr6:75,931,061, plus strand): 5'-GGGCCACAGAGGCCTGGTTCCAGACCGTCCAGGCTCCCCTGGCTGTCATATCCTGGTTTG[C>T]AGCGACACTCCGCTTCCTCAGTCCGTTCGTTCTTTACACATTGGGCAAATTCGCCGCAGG-3'
Protein context (NP_001554.2, residues 702-722): NERTEEAECR[Cys712Tyr]KPGYDSQGSL

ClinVar aggregate classification (germline): Uncertain significance (1 of 4 stars; one submission).

Allele frequency attached by ClinVar (database versions not stated): gnomAD exomes below 0.00001.
gnomAD v4.1: 1 of 1,614,176 alleles (0.000062%); no homozygotes.

Submission:

Labcorp Genetics (formerly Invitae), Labcorp
Classification: Uncertain significance. Last evaluated: 2023-07-31. Review status: criteria provided, single submitter. Criteria: Invitae Variant Classification Sherloc (09022015). Collection method: clinical testing. Allele origin: germline.
Comment: This sequence change replaces cysteine, which is neutral and slightly polar, with tyrosine, which is neutral and polar, at codon 712 of the IMPG1 protein (p.Cys712Tyr). This variant is present in population databases (no rsID available, gnomAD 0.0009%). This variant has not been reported in the literature in individuals affected with IMPG1-related conditions. ClinVar contains an entry for this variant (Variation ID: 1013826). An algorithm developed to predict the effect of missense changes on protein structure and function (PolyPhen-2) suggests that this variant is likely to be disruptive. In summary, the available evidence is currently insufficient to determine the role of this variant in disease. Therefore, it has been classified as a Variant of Uncertain Significance.